The following is an entry in ClinVar:

NM_032656.4(DHX37):c.461G>A (p.Arg154His)

Gene: DHX37 (DEAH-box helicase 37; minus strand). Cytogenetic location: 12q24.31.
Variant type: single nucleotide variant.
Coding change: c.461G>A on transcript NM_032656.4 (MANE Select); coding-DNA position 461, G replaced by A.
Protein change: p.Arg154His; replaces arginine 154 with histidine.
Molecular consequence: missense variant.
Genome position (GRCh38, 1-based): chr12:124,980,767, C>T on the plus strand (G>A on the coding strand, the complement: DHX37 is on the minus strand). VCF-style: chr12-124980767-C-T. GRCh37 (hg19) VCF-style: chr12-125465313-C-T.
Other names: short protein forms R154H.
Identifiers: ClinVar variation 2443111 (VCV002443111.6), dbSNP rs747449936, ClinGen allele CA6872442.

ClinVar aggregate classification (germline): Conflicting classifications of pathogenicity. Review status: criteria provided, conflicting classifications (1 of 4 stars). 3 submissions from 3 submitters: Uncertain significance (1); Likely benign (1). 1 of the submissions does not count toward it. Last evaluated 2025-10-02.

Conditions:
Inborn genetic diseases. Identifiers: MedGen C0950123, MeSH D030342.

Allele frequency attached by ClinVar (database versions not stated): gnomAD 0.00002; TOPMed 0.00002; ExAC 0.00004.
gnomAD v4.1: 32 of 1,556,550 alleles (0.0021%); highest among the groups gnomAD compares: Non-Finnish European, 0.0026%; no homozygotes.

Submissions (3):

Labcorp Genetics (formerly Invitae), Labcorp
Classification: Uncertain significance. Last evaluated: 2025-10-02. Review status: criteria provided, single submitter. Criteria: Invitae Variant Classification Sherloc (09022015). Collection method: clinical testing. Allele origin: germline.
Comment: This sequence change replaces arginine, which is basic and polar, with histidine, which is basic and polar, at codon 154 of the DHX37 protein (p.Arg154His). The frequency data for this variant in the population databases is considered unreliable, as metrics indicate poor data quality at this position in the gnomAD database. This variant has not been reported in the literature in individuals affected with DHX37-related conditions. ClinVar contains an entry for this variant (Variation ID: 2443111). An algorithm developed to predict the effect of missense changes on protein structure and function outputs the following: PolyPhen-2: "Benign". The histidine amino acid residue is found in multiple mammalian species, which suggests that this missense change does not adversely affect protein function. In summary, the available evidence is currently insufficient to determine the role of this variant in disease. Therefore, it has been classified as a Variant of Uncertain Significance.

Ambry Genetics
Classification: Likely benign for Inborn genetic diseases. Last evaluated: 2023-05-31. Review status: criteria provided, single submitter. Criteria: Ambry Variant Classification Scheme 2023. Collection method: clinical testing. Allele origin: germline.

Genetic Services Laboratory, University of Chicago
Classification: Uncertain significance. Last evaluated: 2022-09-06. Review status: no assertion criteria provided. Collection method: clinical testing. Allele origin: germline. Affected: no. Not counted in ClinVar's aggregate classification.
Comment: DNA sequence analysis of the DHX37 gene demonstrated a sequence change, c.461G>A, in exon 4 that results in an amino acid change, p.Arg154His. This sequence change does not appear to have been previously described in individuals with DHX37-related disorders. This sequence change has been described in the gnomAD database with a frequency of 0.002% (dbSNP rs747449936). The p.Arg154His change affects a poorly conserved amino acid residue located in a domain of the DHX37 protein that is not known to be functional. The p.Arg154His substitution appears to be benign using several in-silico pathogenicity prediction tools (SIFT, PolyPhen2, Align GVGD, REVEL). Due to insufficient evidences and the lack of functional studies, the clinical significance of the p.Arg154His change remains unknown at this time.